The following is an entry in ClinVar:

NM_031935.3(HMCN1):c.2194C>G (p.Gln732Glu)

Gene: HMCN1 (hemicentin 1; plus strand). Cytogenetic location: 1q31.1.
Variant type: single nucleotide variant.
Coding change: c.2194C>G on transcript NM_031935.3 (MANE Select); coding-DNA position 2194, C replaced by G.
Protein change: p.Gln732Glu; replaces glutamine 732 with glutamic acid.
Molecular consequence: missense variant.
Genome position (GRCh38, 1-based): chr1:185,965,897, C>G. VCF-style: chr1-185965897-C-G. GRCh37 (hg19) VCF-style: chr1-185935029-C-G.
Other names: short protein forms Q732E.
Identifiers: ClinVar variation 1719577 (VCV001719577.5), dbSNP rs1169929635, ClinGen allele CA343877616.
Genomic context (GRCh38, chr1:185,965,897, plus strand): 5'-TTGGTTGCCCTTGGGGATATAACCGTTATGGAATGCAAAACCTCTGGTATTCCTCCACCT[C>G]AAGTTAAATGGTTCAAAGGTACATTTCTTCAATATGTTTGTGTCTGGTTCACTTAGTTTT-3'
Protein context (NP_114141.2, residues 722-742): ECKTSGIPPP[Gln732Glu]VKWFKGDLEL

ClinVar aggregate classification (germline): Uncertain significance (1 of 4 stars; one submission).

Allele frequency attached by ClinVar (database versions not stated): gnomAD exomes below 0.00001.
gnomAD v4.1: 5 of 1,585,866 alleles (0.00032%); highest among the groups gnomAD compares: Non-Finnish European, 0.00043%; no homozygotes.

Submission:

Labcorp Genetics (formerly Invitae), Labcorp
Classification: Uncertain significance. Last evaluated: 2024-01-15. Review status: criteria provided, single submitter. Criteria: Invitae Variant Classification Sherloc (09022015). Collection method: clinical testing. Allele origin: germline.
Comment: This sequence change replaces glutamine, which is neutral and polar, with glutamic acid, which is acidic and polar, at codon 732 of the HMCN1 protein (p.Gln732Glu). This variant is present in population databases (no rsID available, gnomAD 0.0009%). This variant has not been reported in the literature in individuals affected with HMCN1-related conditions. ClinVar contains an entry for this variant (Variation ID: 1719577). An algorithm developed to predict the effect of missense changes on protein structure and function (PolyPhen-2) suggests that this variant is likely to be tolerated. In summary, the available evidence is currently insufficient to determine the role of this variant in disease. Therefore, it has been classified as a Variant of Uncertain Significance.